The following is an entry in ClinVar:

NM_003128.3(SPTBN1):c.6103G>A (p.Gly2035Arg)

Gene: SPTBN1 (spectrin beta, non-erythrocytic 1; plus strand). Cytogenetic location: 2p16.2.
Variant type: single nucleotide variant.
Coding change: c.6103G>A on transcript NM_003128.3 (MANE Select); coding-DNA position 6103, G replaced by A.
Protein change: p.Gly2035Arg; replaces glycine 2035 with arginine.
Molecular consequence: missense variant.
Genome position (GRCh38, 1-based): chr2:54,657,906, G>A. VCF-style: chr2-54657906-G-A. GRCh37 (hg19) VCF-style: chr2-54885043-G-A.
Other names: c.6064G>A, p.Gly2022Arg (NM_178313.3); short protein forms G2022R, G2035R.
Identifiers: ClinVar variation 2763784 (VCV002763784.3), dbSNP rs2549573386, ClinGen allele CA346855279.

ClinVar aggregate classification (germline): Uncertain significance (1 of 4 stars; one submission).

Submission:

Labcorp Genetics (formerly Invitae), Labcorp
Classification: Uncertain significance. Last evaluated: 2023-09-28. Review status: criteria provided, single submitter. Criteria: Invitae Variant Classification Sherloc (09022015). Collection method: clinical testing. Allele origin: germline.
Comment: This sequence change replaces glycine, which is neutral and non-polar, with arginine, which is basic and polar, at codon 2035 of the SPTBN1 protein (p.Gly2035Arg). This variant is not present in population databases (gnomAD no frequency). This variant has not been reported in the literature in individuals affected with SPTBN1-related conditions. Advanced modeling of protein sequence and biophysical properties (such as structural, functional, and spatial information, amino acid conservation, physicochemical variation, residue mobility, and thermodynamic stability) performed at Invitae indicates that this missense variant is expected to disrupt SPTBN1 protein function. In summary, the available evidence is currently insufficient to determine the role of this variant in disease. Therefore, it has been classified as a Variant of Uncertain Significance.